The following is an entry in ClinVar:

ClinVar aggregate classification (germline): Likely benign. Review status: criteria provided, multiple submitters, no conflicts (2 of 4 stars). 2 submissions from 2 submitters: Likely benign (2). Last evaluated 2025-11-20.

Conditions:
PLEC-related disorder. Also called: PLEC-related disorders; PLEC-related condition.
Epidermolysis bullosa simplex with nail dystrophy (EBS5D). Identifiers: MedGen C4225309, MONDO:0014661, OMIM 616487.
Epidermolysis bullosa simplex 5B, with muscular dystrophy (EBS5B). Also called: Epidermolysis bullosa simplex with muscular dystrophy; EPIDERMOLYSIS BULLOSA SIMPLEX AND LIMB-GIRDLE MUSCULAR DYSTROPHY. Identifiers: Orphanet 257, MedGen C2931072, MONDO:0009181, OMIM 226670.
Autosomal recessive limb-girdle muscular dystrophy type 2Q (LGMDR17). Also called: MUSCULAR DYSTROPHY, LIMB-GIRDLE, AUTOSOMAL RECESSIVE 17. Identifiers: Orphanet 254361, MedGen C3150989, MONDO:0013390, OMIM 613723.
Epidermolysis bullosa simplex 5C, with pyloric atresia (EBS5C). Also called: PLEC-Related Epidermolysis Bullosa with Pyloric Atresia; Epidermolysis bullosa simplex with pyloric atresia; PLEC1-Related Epidermolysis Bullosa with Pyloric Atresia. Identifiers: Orphanet 158684, MedGen C2677349, MONDO:0012807, OMIM 612138.
Epidermolysis bullosa simplex, Ogna type (EBS5A). Also called: Pidermolysis bullosa simplex 5A, Ogna type; EPIDERMOLYSIS BULLOSA SIMPLEX 5A, OGNA TYPE. Identifiers: Orphanet 79401, MedGen C0432317, MONDO:0007555, OMIM 131950.

Allele frequency attached by ClinVar (database versions not stated): gnomAD exomes 0.00001; gnomAD 0.00002 and 0.00003; ExAC 0.00003; TOPMed 0.00003; ESP Exome Variant Server 0.00008; 1000 Genomes Project 30x 0.00016; 1000 Genomes Project 0.00020.

Submissions (2):

PreventionGenetics, part of Exact Sciences
Classification: Likely benign for PLEC-related condition. Last evaluated: 2025-11-20. Review status: criteria provided, single submitter. Criteria: ACMG Guidelines, 2015. Collection method: clinical testing. Allele origin: germline.
Comment: This variant is classified as likely benign based on ACMG/AMP sequence variant interpretation guidelines (Richards et al. 2015 PMID: 25741868, with internal and published modifications).

Labcorp Genetics (formerly Invitae), Labcorp
Classification: Likely benign for Autosomal recessive limb-girdle muscular dystrophy type 2Q; Epidermolysis bullosa simplex, Ogna type; Epidermolysis bullosa simplex with nail dystrophy; Epidermolysis bullosa simplex 5C, with pyloric atresia; Epidermolysis bullosa simplex 5B, with muscular dystrophy. Last evaluated: 2025-01-07. Review status: criteria provided, single submitter. Criteria: Invitae Variant Classification Sherloc (09022015). Collection method: clinical testing. Allele origin: germline.

NM_201384.3(PLEC):c.13377G>A (p.Thr4459=)

Gene: PLEC (plectin; minus strand). Cytogenetic location: 8q24.3.
Variant type: single nucleotide variant.
Coding change: c.13377G>A on transcript NM_201384.3 (MANE Select); coding-DNA position 13377, G replaced by A.
Protein change: p.Thr4459=; no amino-acid change (threonine 4459 retained).
Molecular consequence: synonymous variant.
Genome position (GRCh38, 1-based): chr8:143,916,444, C>T on the plus strand (G>A on the coding strand, the complement: PLEC is on the minus strand). VCF-style: chr8-143916444-C-T. GRCh37 (hg19) VCF-style: chr8-144990612-C-T.
Other names: c.13458G>A, p.Thr4486= (NM_000445.5); c.13335G>A, p.Thr4445= (NM_201378.4); c.13311G>A, p.Thr4437= (NM_201379.3); c.13788G>A, p.Thr4596= (NM_201380.4); c.13281G>A, p.Thr4427= (NM_201381.3); c.13377G>A, p.Thr4459= (NM_201382.4); c.13389G>A, p.Thr4463= (NM_201383.3).
Identifiers: ClinVar variation 723971 (VCV000723971.9), dbSNP rs372431809, ClinGen allele CA4923825.